The following is an entry in ClinVar:

NM_001761.3(CCNF):c.436G>A (p.Ala146Thr)

Gene: CCNF (cyclin F; plus strand). Cytogenetic location: 16p13.3.
Variant type: single nucleotide variant.
Coding change: c.436G>A on transcript NM_001761.3 (MANE Select); coding-DNA position 436, G replaced by A.
Protein change: p.Ala146Thr; replaces alanine 146 with threonine.
Molecular consequence: missense variant. On other transcripts: 5 prime UTR variant (1).
Genome position (GRCh38, 1-based): chr16:2,437,218, G>A. VCF-style: chr16-2437218-G-A. GRCh37 (hg19) VCF-style: chr16-2487219-G-A.
Other names: c.-489G>A (NM_001323538.2); short protein forms A146T.
Identifiers: ClinVar variation 2627498 (VCV002627498.1), dbSNP rs749253539, ClinGen allele CA7842077.
Genomic context (GRCh38, chr16:2,437,218, plus strand): 5'-GTGAATGGCCTGAAGGCCTCTCGCTTCTTCAGTCTCGCTGAGCGGCTGAATGTGGGTGCC[G>A]CACCTTTCATCTGGCTCTTCATCCGCCCTCCGTGGTCGGTGAGCGGAAGCTGCTGCAAGG-3'
Protein context (NP_001752.2, residues 136-156): SLAERLNVGA[Ala146Thr]PFIWLFIRPP

ClinVar aggregate classification (germline): Uncertain significance (1 of 4 stars; one submission).

Conditions:
Frontotemporal dementia and/or amyotrophic lateral sclerosis 5. Identifiers: MedGen C5436884, MONDO:0030875, OMIM 619141.

Allele frequency attached by ClinVar (database versions not stated): ExAC 0.00001; TOPMed 0.00002.
gnomAD v4.1: 8 of 1,612,766 alleles (0.0005%); highest among the groups gnomAD compares: Admixed American, 0.0017%; no homozygotes.

Submission:

Neuberg Centre For Genomic Medicine, NCGM
Classification: Uncertain significance for Frontotemporal dementia and/or amyotrophic lateral sclerosis 5. Review status: criteria provided, single submitter. Criteria: ACMG Guidelines, 2015. Collection method: clinical testing. Allele origin: germline. Inheritance: Autosomal dominant inheritance. Affected: yes.
Comment: The missense variant p.A146T in CCNF (NM_001761.3) has not been reported previously as a pathogenic variant nor as a benign variant, to our knowledge. Although the variant is present at 0.0004% in gnomAD Exomes, it has the flag "Failed Random Forest" and may not represent the true population frequency.The p.A146T variant is novel (not in any individuals) in 1000 Genomes. In silico tools predict a tolerated effect and the residue is not conserved across species. For these reasons, this variant has been classified as Uncertain Significance.